The following is an entry in ClinVar:

ClinVar aggregate classification (germline): Uncertain significance. Review status: criteria provided, multiple submitters, no conflicts (2 of 4 stars). 2 submissions from 2 submitters: Uncertain significance (2). Last evaluated 2025-04-12.

Conditions:
Inborn genetic diseases. Identifiers: MedGen C0950123, MeSH D030342.

Allele frequency attached by ClinVar (database versions not stated): gnomAD 0.00001; gnomAD exomes 0.00001; TOPMed below 0.00001.
gnomAD v4.1: 5 of 1,614,086 alleles (0.00031%); highest among the groups gnomAD compares: Admixed American, 0.0083%; no homozygotes.

Submissions (2):

Ambry Genetics
Classification: Uncertain significance for Inborn genetic diseases. Last evaluated: 2025-04-12. Review status: criteria provided, single submitter. Criteria: Ambry Variant Classification Scheme 2023. Collection method: clinical testing. Allele origin: germline.

Labcorp Genetics (formerly Invitae), Labcorp
Classification: Uncertain significance. Last evaluated: 2022-04-04. Review status: criteria provided, single submitter. Criteria: Invitae Variant Classification Sherloc (09022015). Collection method: clinical testing. Allele origin: germline.
Comment: This sequence change replaces asparagine, which is neutral and polar, with serine, which is neutral and polar, at codon 196 of the PDE6A protein (p.Asn196Ser). This variant is present in population databases (no rsID available, gnomAD 0.006%). This variant has not been reported in the literature in individuals affected with PDE6A-related conditions. Algorithms developed to predict the effect of missense changes on protein structure and function are either unavailable or do not agree on the potential impact of this missense change (SIFT: "Deleterious"; PolyPhen-2: "Probably Damaging"; Align-GVGD: "Class C0"). In summary, the available evidence is currently insufficient to determine the role of this variant in disease. Therefore, it has been classified as a Variant of Uncertain Significance.

NM_000440.3(PDE6A):c.587A>G (p.Asn196Ser)

Gene: PDE6A (phosphodiesterase 6A; minus strand). Cytogenetic location: 5q32.
Variant type: single nucleotide variant.
Coding change: c.587A>G on transcript NM_000440.3 (MANE Select); coding-DNA position 587, A replaced by G.
Protein change: p.Asn196Ser; replaces asparagine 196 with serine.
Molecular consequence: missense variant.
Genome position (GRCh38, 1-based): chr5:149,934,606, T>C on the plus strand (A>G on the coding strand, the complement: PDE6A is on the minus strand). VCF-style: chr5-149934606-T-C. GRCh37 (hg19) VCF-style: chr5-149314169-T-C.
Other names: c.587A>G (NM_000440.2); short protein forms N196S.
Identifiers: ClinVar variation 1896600 (VCV001896600.3), dbSNP rs1207436881, ClinGen allele CA361698297.